The following is an entry in ClinVar:

NM_004959.5(NR5A1):c.1052del (p.Ala351fs)

Gene: NR5A1 (nuclear receptor subfamily 5 group A member 1; minus strand). Cytogenetic location: 9q33.3.
Variant type: Deletion.
Coding change: c.1052del on transcript NM_004959.5 (MANE Select); coding-DNA position 1052, one base deleted (C; older notation c.1052delC).
Protein change: p.Ala351fs; shifts the reading frame from alanine 351.
Molecular consequence: frameshift variant.
Genome position (GRCh38, 1-based): chr9:124,491,167, G deleted on the plus strand (C on the coding strand, the reverse complement: NR5A1 is on the minus strand). VCF-style (leftmost placement, unchanged base first): chr9-124491166-CG-C. GRCh37 (hg19) VCF-style: chr9-127253445-CG-C.
Other names: short protein forms A351fs.
Identifiers: ClinVar variation 4813701 (VCV004813701.1).

ClinVar aggregate classification (germline): Likely pathogenic (1 of 4 stars; one submission).

Conditions:
Autosomal dominant NR5A1-related disorders.

Submission:

Variantyx, Inc.
Classification: Likely pathogenic for Autosomal dominant NR5A1-related disorders. Last evaluated: 2025-04-27. Review status: criteria provided, single submitter. Criteria: Variantyx Assertion Criteria 2022. Collection method: clinical testing. Allele origin: germline. Inheritance: Autosomal recessive inheritance. Affected: yes.
Comment: This is a frameshift variant in the NR5A1 gene (OMIM: 184757). Pathogenic variants in this gene have been associated with autosomal dominant NR5A1-related disorders. This variant introduces a premature termination codon in exon 6 out of 7 and is expected to result in loss of function, which is a known disease mechanism for NR5A1 in this disorder (PMID: 15579739, 21654157) (PVS1). This variant is absent from control populations (PM2) and has not been reported in individuals with NR5A1-related disorders in the databases available for review. Based on the current evidence, this variant is classified as likely pathogenic for autosomal dominant NR5A1-related disorders.

Literature cited by the submitters: PubMed 15579739; PubMed 21654157.